The following is an entry in ClinVar:

NM_004006.3(DMD):c.4171A>T (p.Lys1391Ter)

Gene: DMD (dystrophin; minus strand). Cytogenetic location: Xp21.1.
Variant type: single nucleotide variant.
Coding change: c.4171A>T on transcript NM_004006.3 (MANE Select); coding-DNA position 4171, A replaced by T.
Protein change: p.Lys1391Ter; replaces lysine 1391 with a stop codon.
Molecular consequence: nonsense.
Genome position (GRCh38, 1-based): chrX:32,411,814, T>A on the plus strand (A>T on the coding strand, the complement: DMD is on the minus strand). VCF-style: chrX-32411814-T-A. GRCh37 (hg19) VCF-style: chrX-32429931-T-A.
Other names: c.4147A>T, p.Lys1383Ter (NM_000109.4); c.4159A>T, p.Lys1387Ter (NM_004009.3); c.3802A>T, p.Lys1268Ter (NM_004010.3); c.148A>T, p.Lys50Ter (NM_004011.4); c.139A>T, p.Lys47Ter (NM_004012.4); short protein forms K1268*, K1383*, K1387*, K1391*, K47*, K50*.
Identifiers: ClinVar variation 1074767 (VCV001074767.7), dbSNP rs2147935042, ClinGen allele CA412666296.

ClinVar aggregate classification (germline): Pathogenic (1 of 4 stars; one submission).

Conditions:
Duchenne muscular dystrophy (DMD). Also called: MUSCULAR DYSTROPHY, PSEUDOHYPERTROPHIC PROGRESSIVE, DUCHENNE TYPE; Duchenne Muscular Dystrophy (DMD). Identifiers: Orphanet 98896, MedGen C0013264, MONDO:0010679, OMIM 310200.

Submission:

Labcorp Genetics (formerly Invitae), Labcorp
Classification: Pathogenic for Duchenne muscular dystrophy. Last evaluated: 2020-09-09. Review status: criteria provided, single submitter. Criteria: Invitae Variant Classification Sherloc (09022015). Collection method: clinical testing. Allele origin: germline.
Comment: For these reasons, this variant has been classified as Pathogenic. Loss-of-function variants in DMD are known to be pathogenic (PMID: 16770791, 25007885). This variant has not been reported in the literature in individuals with DMD-related conditions. This variant is not present in population databases (ExAC no frequency). This sequence change creates a premature translational stop signal (p.Lys1391*) in the DMD gene. It is expected to result in an absent or disrupted protein product.

Literature cited by the submitters: PubMed 16770791; PubMed 25007885.